The following is an entry in ClinVar:

NM_001793.6(CDH3):c.139C>A (p.Pro47Thr)

Genes: CDH3 (cadherin 3; plus strand), CDH3-AS1 (CDH3 antisense RNA 1; minus strand). Cytogenetic location: 16q22.1.
Variant type: single nucleotide variant.
Coding change: c.139C>A on transcript NM_001793.6 (MANE Select); coding-DNA position 139, C replaced by A.
Protein change: p.Pro47Thr; replaces proline 47 with threonine.
Molecular consequence: missense variant. On other transcripts: intron variant (1).
Genome position (GRCh38, 1-based): chr16:68,645,729, C>A. VCF-style: chr16-68645729-C-A. GRCh37 (hg19) VCF-style: chr16-68679632-C-A.
Other names: c.139C>A, p.Pro47Thr (NM_001317195.3); c.-6+305C>A (NM_001317196.2); short protein forms P47T.
Identifiers: ClinVar variation 1061557 (VCV001061557.7), dbSNP rs2152087508, ClinGen allele CA396455360.

ClinVar aggregate classification (germline): Uncertain significance (1 of 4 stars; one submission).

Submission:

Labcorp Genetics (formerly Invitae), Labcorp
Classification: Uncertain significance. Last evaluated: 2020-10-01. Review status: criteria provided, single submitter. Criteria: Invitae Variant Classification Sherloc (09022015). Collection method: clinical testing. Allele origin: germline.
Comment: In summary, the available evidence is currently insufficient to determine the role of this variant in disease. Therefore, it has been classified as a Variant of Uncertain Significance. Algorithms developed to predict the effect of missense changes on protein structure and function are either unavailable or do not agree on the potential impact of this missense change (SIFT: "Not Available"; PolyPhen-2: "Benign"; Align-GVGD: "Not Available"). This variant has not been reported in the literature in individuals with CDH3-related conditions. The frequency data for this variant in the population databases is considered unreliable, as metrics indicate insufficient coverage at this position in the ExAC database. This sequence change replaces proline with threonine at codon 47 of the CDH3 protein (p.Pro47Thr). The proline residue is weakly conserved and there is a small physicochemical difference between proline and threonine.